The following is an entry in ClinVar:

ClinVar aggregate classification (germline): Uncertain significance. Review status: criteria provided, single submitter (1 of 4 stars). 2 submissions from 2 submitters: Uncertain significance (1). 1 of the submissions does not count toward it. Last evaluated 2026-01-12.

Conditions:
TUB-related disorder. Also called: TUB-related condition.

Allele frequency attached by ClinVar (database versions not stated): gnomAD 0.00001; gnomAD exomes 0.00001; ExAC 0.00002; TOPMed 0.00003; ESP Exome Variant Server 0.00008.

Submissions (2):

Labcorp Genetics (formerly Invitae), Labcorp
Classification: Uncertain significance. Last evaluated: 2026-01-12. Review status: criteria provided, single submitter. Criteria: Invitae Variant Classification Sherloc (09022015). Collection method: clinical testing. Allele origin: germline.
Comment: This sequence change replaces arginine, which is basic and polar, with tryptophan, which is neutral and slightly polar, at codon 84 of the TUB protein (p.Arg84Trp). This variant is present in population databases (rs139035034, gnomAD 0.01%). This variant has not been reported in the literature in individuals affected with TUB-related conditions. ClinVar contains an entry for this variant (Variation ID: 1905078). An algorithm developed to predict the effect of missense changes on protein structure and function (PolyPhen-2) suggests that this variant is likely to be disruptive. In summary, the available evidence is currently insufficient to determine the role of this variant in disease. Therefore, it has been classified as a Variant of Uncertain Significance.

PreventionGenetics, part of Exact Sciences
Classification: Uncertain significance for TUB-related condition. Last evaluated: 2024-04-30. Review status: no assertion criteria provided. Collection method: clinical testing. Allele origin: germline. Not counted in ClinVar's aggregate classification.
Comment: The TUB c.250C>T variant is predicted to result in the amino acid substitution p.Arg84Trp. To our knowledge, this variant has not been reported in the literature. This variant is reported in 0.0099% of alleles in individuals of Ashkenazi Jewish descent in gnomAD. At this time, the clinical significance of this variant is uncertain due to the absence of conclusive functional and genetic evidence.

NM_177972.3(TUB):c.85C>T (p.Arg29Trp)

Gene: TUB (TUB bipartite transcription factor; plus strand). Cytogenetic location: 11p15.4.
Variant type: single nucleotide variant.
Coding change: c.85C>T on transcript NM_177972.3 (MANE Select); coding-DNA position 85, C replaced by T.
Protein change: p.Arg29Trp; replaces arginine 29 with tryptophan.
Molecular consequence: missense variant.
Genome position (GRCh38, 1-based): chr11:8,089,656, C>T. VCF-style: chr11-8089656-C-T. GRCh37 (hg19) VCF-style: chr11-8111203-C-T.
Other names: c.250C>T (NM_003320.4); c.250C>T, p.Arg84Trp (NM_003320.5); short protein forms R84W, R29W.
Identifiers: ClinVar variation 1905078 (VCV001905078.6), dbSNP rs139035034, ClinGen allele CA5870937.